The following is an entry in ClinVar:

ClinVar aggregate classification (germline): Pathogenic (1 of 4 stars; one submission).

Submission:

Labcorp Genetics (formerly Invitae), Labcorp
Classification: Pathogenic. Last evaluated: 2024-03-12. Review status: criteria provided, single submitter. Criteria: Invitae Variant Classification Sherloc (09022015). Collection method: clinical testing. Allele origin: germline.
Comment: This sequence change creates a premature translational stop signal (p.Tyr631*) in the POLE gene. It is expected to result in an absent or disrupted protein product. Loss-of-function variants in POLE are known to be pathogenic (PMID: 23230001, 25948378, 30503519). This variant is not present in population databases (gnomAD no frequency). This variant has not been reported in the literature in individuals affected with POLE-related conditions. For these reasons, this variant has been classified as Pathogenic.

Literature cited by the submitters: PubMed 23230001; PubMed 25948378; PubMed 30503519.

NM_006231.4(POLE):c.1893C>A (p.Tyr631Ter)

Gene: POLE (DNA polymerase epsilon, catalytic subunit; minus strand). Cytogenetic location: 12q24.33.
Variant type: single nucleotide variant.
Coding change: c.1893C>A on transcript NM_006231.4 (MANE Select); coding-DNA position 1893, C replaced by A.
Protein change: p.Tyr631Ter; replaces tyrosine 631 with a stop codon.
Molecular consequence: nonsense.
Genome position (GRCh38, 1-based): chr12:132,668,841, G>T on the plus strand (C>A on the coding strand, the complement: POLE is on the minus strand). VCF-style: chr12-132668841-G-T. GRCh37 (hg19) VCF-style: chr12-133245427-G-T.
Other names: short protein forms Y631*.
Identifiers: ClinVar variation 2744620 (VCV002744620.3), dbSNP rs2135979111, ClinGen allele CA387355326.
Genomic context (GRCh38, chr12:132,668,841, plus strand): 5'-CCGACTCTGACACGGGAAGTAAAGTCTCACCTGCAGGCGGTTGGTCAGGATGATGTTGGG[G>T]TACATGGCCCCCACGTCCAGGTGGTAGATGAGTGGACACTCGATGCGGCTGGGAACGTCC-3'